The following is an entry in ClinVar:

NM_004415.4(DSP):c.8529T>C (p.Ser2843=)

Gene: DSP (desmoplakin; plus strand). Cytogenetic location: 6p24.3.
Variant type: single nucleotide variant.
Coding change: c.8529T>C on transcript NM_004415.4 (MANE Select); coding-DNA position 8529, T replaced by C.
Protein change: p.Ser2843=; no amino-acid change (serine 2843 retained).
Molecular consequence: synonymous variant.
Genome position (GRCh38, 1-based): chr6:7,585,791, T>C. VCF-style: chr6-7585791-T-C. GRCh37 (hg19) VCF-style: chr6-7586024-T-C.
Other names: c.6732T>C, p.Ser2244= (NM_001008844.3); c.7200T>C, p.Ser2400= (NM_001319034.2).
Identifiers: ClinVar variation 908595 (VCV000908595.36), dbSNP rs780005300, ClinGen allele CA052709.

ClinVar aggregate classification (germline): Conflicting classifications of pathogenicity. Review status: criteria provided, conflicting classifications (1 of 4 stars). 8 submissions from 6 submitters: Uncertain significance (3); Likely benign (5). Last evaluated 2025-11-18.

Conditions:
Cardiovascular phenotype. Identifiers: MedGen CN230736.
Arrhythmogenic right ventricular dysplasia 8 (ARVD8). Also called: ARRHYTHMOGENIC RIGHT VENTRICULAR DYSPLASIA, FAMILIAL, 8; ARRHYTHMOGENIC RIGHT VENTRICULAR CARDIOMYOPATHY 8; Arrhythmogenic Right Ventricular Dysplasia/Cardiomyopathy 8. Identifiers: MedGen C1843896, MONDO:0011831, OMIM 607450.
Arrhythmogenic cardiomyopathy with wooly hair and keratoderma. Also called: PALMOPLANTAR KERATODERMA WITH LEFT VENTRICULAR CARDIOMYOPATHY AND WOOLLY HAIR; Dilated cardiomyopathy with woolly hair and keratoderma; Carvajal syndrome; Arrhythmogenic cardiomyopathy with woolly hair and keratoderma. Identifiers: Orphanet 65282, MedGen C1854063, MONDO:0011581, OMIM 605676.
Woolly hair-skin fragility syndrome (WHSF). Identifiers: Orphanet 293165, MedGen C1843292, MONDO:0957307, OMIM 620415.
Lethal acantholytic epidermolysis bullosa (EBLA). Identifiers: Orphanet 158687, MedGen C1864826, MONDO:0012323, OMIM 609638.
Cardiomyopathy (CMYO). Also called: Cardiomyopathies. Identifiers: Orphanet 167848, MedGen C0878544, MONDO:0004994, HP:0001638. Inheritance: Various modes of inheritance.

Allele frequency attached by ClinVar (database versions not stated): gnomAD 0.00001; gnomAD exomes 0.00001; ExAC 0.00002.
gnomAD v4.1: 14 of 1,609,242 alleles (0.00087%); highest among the groups gnomAD compares: Non-Finnish European, 0.0012%; no homozygotes.

Submissions (8):

Labcorp Genetics (formerly Invitae), Labcorp
Classification: Likely benign for Arrhythmogenic cardiomyopathy with wooly hair and keratoderma; Arrhythmogenic right ventricular dysplasia 8. Last evaluated: 2025-11-18. Review status: criteria provided, single submitter. Criteria: Invitae Variant Classification Sherloc (09022015). Collection method: clinical testing. Allele origin: germline.

All of Us Research Program, National Institutes of Health
Classification: Likely benign for Arrhythmogenic cardiomyopathy with wooly hair and keratoderma. Last evaluated: 2023-05-16. Review status: criteria provided, single submitter. Criteria: ACMG Guidelines, 2015. Collection method: clinical testing. Allele origin: germline. Inheritance: Autosomal dominant inheritance. Observed: 1 variant allele, 1 heterozygote.
Comment: This study involves interpretation of variants in research participants for the purpose of population health screening. Participant phenotype was not available at the time of variant classification. Additional details can be found in publication PMID: 35346344, PMCID: PMC8962531

Color Diagnostics, LLC DBA Color Health
Classification: Likely benign for Cardiomyopathy. Last evaluated: 2023-05-03. Review status: criteria provided, single submitter. Criteria: ACMG Guidelines, 2015. Collection method: clinical testing. Allele origin: germline.

CeGaT Center for Human Genetics Tuebingen
Classification: Likely benign. Last evaluated: 2023-03-01. Review status: criteria provided, single submitter. Criteria: CeGaT Center For Human Genetics Tuebingen Variant Classification Criteria Version 2. Collection method: clinical testing. Allele origin: germline. Affected: yes. Observed: 1 variant allele.
Comment: DSP: BP4, BP7

Ambry Genetics
Classification: Likely benign for Cardiovascular phenotype. Last evaluated: 2020-11-19. Review status: criteria provided, single submitter. Criteria: Ambry Variant Classification Scheme 2023. Collection method: clinical testing. Allele origin: germline.

Illumina Laboratory Services, Illumina
Classification: Uncertain significance for Arrhythmogenic right ventricular dysplasia 8. Last evaluated: 2017-04-27. Review status: criteria provided, single submitter. Criteria: ICSL Variant Classification Criteria 13 December 2019. Collection method: clinical testing. Allele origin: germline.

Illumina Laboratory Services, Illumina
Classification: Uncertain significance for Lethal acantholytic epidermolysis bullosa. Last evaluated: 2017-04-27. Review status: criteria provided, single submitter. Criteria: ICSL Variant Classification Criteria 13 December 2019. Collection method: clinical testing. Allele origin: germline.

Illumina Laboratory Services, Illumina
Classification: Uncertain significance for Arrhythmogenic cardiomyopathy with wooly hair and keratoderma. Last evaluated: 2017-04-27. Review status: criteria provided, single submitter. Criteria: ICSL Variant Classification Criteria 13 December 2019. Collection method: clinical testing. Allele origin: germline.